The following is an entry in ClinVar:

NM_002471.4(MYH6):c.4265G>T (p.Arg1422Leu)

Gene: MYH6 (myosin heavy chain 6; minus strand). Cytogenetic location: 14q11.2.
Variant type: single nucleotide variant.
Coding change: c.4265G>T on transcript NM_002471.4 (MANE Select); coding-DNA position 4265, G replaced by T.
Protein change: p.Arg1422Leu; replaces arginine 1422 with leucine.
Molecular consequence: missense variant.
Genome position (GRCh38, 1-based): chr14:23,388,249, C>A on the plus strand (G>T on the coding strand, the complement: MYH6 is on the minus strand). VCF-style: chr14-23388249-C-A. GRCh37 (hg19) VCF-style: chr14-23857458-C-A.
Other names: short protein forms R1422L.
Identifiers: ClinVar variation 470537 (VCV000470537.9), dbSNP rs574433291, ClinGen allele CA388999090.

ClinVar aggregate classification (germline): Uncertain significance. Review status: criteria provided, multiple submitters, no conflicts (2 of 4 stars). 3 submissions from 3 submitters: Uncertain significance (3). Last evaluated 2023-05-22.

Conditions:
Hypertrophic cardiomyopathy 14. Identifiers: MedGen C2750467, MONDO:0013197, OMIM 613251.

Allele frequency attached by ClinVar (database versions not stated): TOPMed 0.00001.
gnomAD v4.1: 1 of 1,612,882 alleles (0.000062%); highest among the groups gnomAD compares: African/African-American, 0.0013%; no homozygotes.

Submissions (3):

Labcorp Genetics (formerly Invitae), Labcorp
Classification: Uncertain significance for Hypertrophic cardiomyopathy 14. Last evaluated: 2023-05-22. Review status: criteria provided, single submitter. Criteria: Invitae Variant Classification Sherloc (09022015). Collection method: clinical testing. Allele origin: germline.
Comment: In summary, the available evidence is currently insufficient to determine the role of this variant in disease. Therefore, it has been classified as a Variant of Uncertain Significance. Advanced modeling of protein sequence and biophysical properties (such as structural, functional, and spatial information, amino acid conservation, physicochemical variation, residue mobility, and thermodynamic stability) performed at Invitae indicates that this missense variant is expected to disrupt MYH6 protein function. ClinVar contains an entry for this variant (Variation ID: 470537). This missense change has been observed in individual(s) with clinical features of pulmonary arterial hypertension with congenital heart disease (PMID: 30029678). This variant is not present in population databases (gnomAD no frequency). This sequence change replaces arginine, which is basic and polar, with leucine, which is neutral and non-polar, at codon 1422 of the MYH6 protein (p.Arg1422Leu).

Women's Health and Genetics/Laboratory Corporation of America, LabCorp
Classification: Uncertain significance. Last evaluated: 2023-05-18. Review status: criteria provided, single submitter. Criteria: LabCorp Variant Classification Summary - May 2015. Collection method: clinical testing. Allele origin: germline.
Comment: Variant summary: MYH6 c.4265G>T (p.Arg1422Leu) results in a non-conservative amino acid change located in the Myosin tail domain (IPR002928) of the encoded protein sequence. Five of five in-silico tools predict a damaging effect of the variant on protein function. The variant was absent in 251480 control chromosomes (gnomAD). The available data on variant occurrences in the general population are insufficient to allow any conclusion about variant significance. c.4265G>T has been reported in the literature in individuals affected with Congenital Heard Disease without strong evidence for causality (Zhu_2018). This report does not provide unequivocal conclusions about association of the variant with Cardiomyopathy. To our knowledge, no experimental evidence demonstrating an impact on protein function has been reported. The following publication has been ascertained in the context of this evaluation (PMID: 30029678). Two ClinVar submitters have assessed the variant since 2014: both classified the variant as uncertain significance. Based on the evidence outlined above, the variant was classified as uncertain significance.

Molecular Diagnostic Laboratory for Inherited Cardiovascular Disease, Montreal Heart Institute
Classification: Uncertain significance. Last evaluated: 2017-02-28. Review status: criteria provided, single submitter. Criteria: ACMG Guidelines, 2015. Collection method: clinical testing. Allele origin: germline. Affected: yes.

Literature cited by the submitters: PubMed 30029678 (cited by Labcorp Genetics (formerly Invitae), Labcorp and Women's Health and Genetics/Laboratory Corporation of America, LabCorp).